The following is an entry in ClinVar:

ClinVar aggregate classification (germline): Conflicting classifications of pathogenicity. Review status: criteria provided, conflicting classifications (1 of 4 stars). 8 submissions from 7 submitters: Pathogenic (1); Likely pathogenic (4); Uncertain significance (2). 1 of the submissions does not count toward it. Last evaluated 2026-06-11.

Conditions:
GNE myopathy (NM). Also called: NONAKA DISTAL MYOPATHY; Inclusion body myopathy quadriceps sparing; IBM 2; Inclusion body myopathy autosomal recessive; MYOPATHY, DISTAL, WITH OR WITHOUT RIMMED VACUOLES; INCLUSION BODY MYOPATHY, HEREDITARY, AUTOSOMAL RECESSIVE. Identifiers: Orphanet 602, MedGen C1853926, MONDO:0011603, OMIM 605820.
Sialuria. Also called: SIALURIA, FRENCH TYPE; Sialic Acid Storage Disease. Identifiers: Orphanet 3166, MedGen C0342853, MONDO:0010028, OMIM 269921.

Allele frequency attached by ClinVar (database versions not stated): gnomAD 0.00001; TOPMed 0.00001; ExAC 0.00002; gnomAD exomes 0.00002 and 0.00004.

Submissions (8):

Myriad Genetics, Inc.
Classification: Likely pathogenic for GNE myopathy. Last evaluated: 2026-06-11. Review status: criteria provided, single submitter. Criteria: Myriad Autosomal Dominant, Autosomal Recessive and X-Linked Classification Criteria (2023). Collection method: clinical testing. Allele origin: unknown.
Comment: NM_001128227.2(GNE):c.1768G>A(G590R) is a missense variant classified as likely pathogenic in the context of GNE myopathy. G590R has been observed in cases with relevant disease (PMID: 24027297, 27858732, 39519852, 14972325, 30390020, 39539755). Relevant functional assessments of this variant are not available in the literature. G590R has been observed in referenced population frequency databases. In summary, NM_001128227.2(GNE):c.1768G>A(G590R) is a missense variant that has been observed more frequently in cases with the relevant disease than in healthy populations. Please note: this variant was assessed in the context of healthy population screening.

Natera, Inc.
Classification: Likely pathogenic for Nonaka myopathy. Last evaluated: 2025-12-03. Review status: criteria provided, single submitter. Criteria: Natera Variant Classification Schema (03/2026). Collection method: clinical testing. Allele origin: germline.
Comment: The c.1768G>A variant in GNE is a missense variant predicted to cause substitution of glycine to arginine at amino acid 590. This variant is rare in the general population with a frequency below the threshold expected for the associated phenotype(s). This variant has been observed in one or more individuals affected with the associated recessive disease, as either homozygous or compound heterozygous with a second variant (PMID: 39519852, 27858732, 24027297, 30390020). Computational prediction algorithms indicate this variant is likely to affect gene or protein function. Given the available evidence, this variant is classified as Likely Pathogenic.

Labcorp Genetics (formerly Invitae), Labcorp
Classification: Pathogenic for Sialuria; GNE myopathy. Last evaluated: 2025-11-01. Review status: criteria provided, single submitter. Criteria: Invitae Variant Classification Sherloc (09022015). Collection method: clinical testing. Allele origin: germline.
Comment: This sequence change replaces glycine, which is neutral and non-polar, with arginine, which is basic and polar, at codon 590 of the GNE protein (p.Gly590Arg). This variant is present in population databases (rs762009737, gnomAD 0.02%). This missense change has been observed in individuals with autosomal recessive GNE-related myopathy (PMID: 2402797, 14972325, 30390020). This variant is also known as p.Gly559Arg. ClinVar contains an entry for this variant (Variation ID: 288129). Invitae Evidence Modeling of protein sequence and biophysical properties (such as structural, functional, and spatial information, amino acid conservation, physicochemical variation, residue mobility, and thermodynamic stability) has been performed for this missense variant. However, the output from this modeling did not meet the statistical confidence thresholds required to predict the impact of this variant on GNE protein function. For these reasons, this variant has been classified as Pathogenic.

Baylor Genetics
Classification: Likely pathogenic for GNE myopathy. Last evaluated: 2024-03-28. Review status: criteria provided, single submitter. Criteria: ACMG Guidelines, 2015. Collection method: clinical testing. Allele origin: unknown.

Women's Health and Genetics/Laboratory Corporation of America, LabCorp
Classification: Uncertain significance. Last evaluated: 2022-03-11. Review status: criteria provided, single submitter. Criteria: LabCorp Variant Classification Summary - May 2015. Collection method: clinical testing. Allele origin: germline.
Comment: Variant summary: GNE c.1768G>A (p.Gly590Arg) results in a non-conservative amino acid change located in the ManNAc kinase domain (Cerrino_2015) of the encoded protein sequence. Five of five in-silico tools predict a damaging effect of the variant on protein function. The variant allele was found at a frequency of 2.4e-05 in 251484 control chromosomes. The available data on variant occurrences in the general population are insufficient to allow any conclusion about variant significance. c.1768G>A has been reported in the literature in individuals affected with Inclusion Body Myopathy 2, in one case with a known pathogenic second variant (Cerino_2015), however in other cases without a second allele provided or a second allele with uncertain clinical impact (Huizing_2003, Cho_2014, Chen_2019). Additionally, the variant was reported in 3 family members in the homozygous state who all had severe autosomal recessive macrothrombocytopenia with no signs of myopathy (>age 20; Manchev_2014), suggesting the variant is benign in nature or associated with later onset of symptoms. To our knowledge, no experimental evidence demonstrating an impact on protein function has been reported. Two clinical diagnostic laboratories have submitted clinical-significance assessments for this variant to ClinVar after 2014 without evidence for independent evaluation. All laboratories classified the variant as uncertain significance. Based on the evidence outlined above, the variant was classified as uncertain significance.

Eurofins Ntd Llc (ga)
Classification: Uncertain significance. Last evaluated: 2016-05-20. Review status: criteria provided, single submitter. Criteria: EGL Classification Definitions 2015. Collection method: clinical testing. Allele origin: germline. Observed: 2 variant alleles, 2 heterozygotes.

Baylor Genetics
Classification: Likely pathogenic for GNE myopathy; Sialuria. Review status: criteria provided, single submitter. Criteria: ACMG Guidelines, 2015. Collection method: clinical testing. Allele origin: germline.

Counsyl
Classification: Uncertain significance for GNE myopathy. Last evaluated: 2018-02-05. Review status: no assertion criteria provided. Collection method: clinical testing. Allele origin: unknown. Not counted in ClinVar's aggregate classification.

Literature cited by the submitters: PubMed 14972325 (cited by 4 submitters); PubMed 24027297 (cited by 4 submitters); PubMed 27858732 (cited by 4 submitters); PubMed 30390020 (cited by 4 submitters); PubMed 39519852 (cited by Myriad Genetics, Inc. and Natera, Inc.); PubMed 39539755 (cited by Myriad Genetics, Inc.); PubMed 2402797 (cited by Labcorp Genetics (formerly Invitae), Labcorp); PubMed 25061177 (cited by Women's Health and Genetics/Laboratory Corporation of America, LabCorp and Counsyl).

NM_005476.7(GNE):c.1675G>A (p.Gly559Arg)

Gene: GNE (glucosamine (UDP-N-acetyl)-2-epimerase/N-acetylmannosamine kinase; minus strand). Cytogenetic location: 9p13.3.
Variant type: single nucleotide variant.
Coding change: c.1675G>A on transcript NM_005476.7 (MANE Select); coding-DNA position 1675, G replaced by A.
Protein change: p.Gly559Arg; replaces glycine 559 with arginine.
Molecular consequence: missense variant.
Genome position (GRCh38, 1-based): chr9:36,219,979, C>T on the plus strand (G>A on the coding strand, the complement: GNE is on the minus strand). VCF-style: chr9-36219979-C-T. GRCh37 (hg19) VCF-style: chr9-36219976-C-T.
Other names: c.1768G>A, p.Gly590Arg (NM_001128227.3); c.1453G>A, p.Gly485Arg (NM_001190383.3); c.1345G>A, p.Gly449Arg (NM_001190384.3); c.1498G>A, p.Gly500Arg (NM_001190388.2, NM_001374798.1); c.1522G>A, p.Gly508Arg (NM_001374797.1); short protein forms G590R, G559R, G449R, G485R, G500R, G508R.
Identifiers: ClinVar variation 288129 (VCV000288129.16), dbSNP rs762009737, ClinGen allele CA5056438.